The following is an entry in ClinVar:

ClinVar aggregate classification (germline): Likely pathogenic (1 of 4 stars; one submission).

Conditions:
Duchenne muscular dystrophy (DMD). Also called: MUSCULAR DYSTROPHY, PSEUDOHYPERTROPHIC PROGRESSIVE, DUCHENNE TYPE; Duchenne Muscular Dystrophy (DMD). Identifiers: Orphanet 98896, MedGen C0013264, MONDO:0010679, OMIM 310200.

Submission:

Labcorp Genetics (formerly Invitae), Labcorp
Classification: Likely pathogenic for Duchenne muscular dystrophy. Last evaluated: 2023-06-28. Review status: criteria provided, single submitter. Criteria: Invitae Variant Classification Sherloc (09022015). Collection method: clinical testing. Allele origin: unknown.
Comment: In summary, the currently available evidence indicates that the variant is pathogenic, but additional data are needed to prove that conclusively. Therefore, this variant has been classified as Likely Pathogenic. This variant has not been reported in the literature in individuals affected with DMD-related conditions. This variant results in the deletion of part of exon 51 (c.7500_7543-3992del) of the DMD gene. It is expected to disrupt RNA splicing. Variants that disrupt the donor or acceptor splice site typically lead to a loss of protein function (PMID: 16199547), and loss-of-function variants in DMD are known to be pathogenic (PMID: 16770791, 25007885).

Literature cited by the submitters: PubMed 16199547; PubMed 16770791; PubMed 25007885.

NC_000023.10:g.(?_31751857)_(31792119_?)del

Gene: DMD (dystrophin; minus strand). Cytogenetic location: Xp21.1.
Variant type: Deletion.
Identifiers: ClinVar variation 3243471 (VCV003243471.1).